The following is an entry in ClinVar:

ClinVar aggregate classification (germline): Uncertain significance (1 of 4 stars; one submission).

gnomAD v4.1: 3 of 1,613,946 alleles (0.00019%); highest among the groups gnomAD compares: South Asian, 0.0022%; no homozygotes.

Submission:

Labcorp Genetics (formerly Invitae), Labcorp
Classification: Uncertain significance. Last evaluated: 2023-10-17. Review status: criteria provided, single submitter. Criteria: Invitae Variant Classification Sherloc (09022015). Collection method: clinical testing. Allele origin: germline.
Comment: This sequence change replaces histidine, which is basic and polar, with glutamine, which is neutral and polar, at codon 677 of the ENPP1 protein (p.His677Gln). This variant is not present in population databases (gnomAD no frequency). This variant has not been reported in the literature in individuals affected with ENPP1-related conditions. Advanced modeling of protein sequence and biophysical properties (such as structural, functional, and spatial information, amino acid conservation, physicochemical variation, residue mobility, and thermodynamic stability) performed at Invitae indicates that this missense variant is not expected to disrupt ENPP1 protein function. Algorithms developed to predict the effect of sequence changes on RNA splicing suggest that this variant may create or strengthen a splice site. In summary, the available evidence is currently insufficient to determine the role of this variant in disease. Therefore, it has been classified as a Variant of Uncertain Significance.

NM_006208.3(ENPP1):c.2031C>G (p.His677Gln)

Gene: ENPP1 (ectonucleotide pyrophosphatase/phosphodiesterase 1; plus strand). Cytogenetic location: 6q23.2.
Variant type: single nucleotide variant.
Coding change: c.2031C>G on transcript NM_006208.3 (MANE Select); coding-DNA position 2031, C replaced by G.
Protein change: p.His677Gln; replaces histidine 677 with glutamine.
Molecular consequence: missense variant.
Genome position (GRCh38, 1-based): chr6:131,879,965, C>G. VCF-style: chr6-131879965-C-G. GRCh37 (hg19) VCF-style: chr6-132201105-C-G.
Other names: short protein forms H677Q.
Identifiers: ClinVar variation 2722707 (VCV002722707.3), dbSNP rs368705462, ClinGen allele CA365653259.